The following is an entry in ClinVar:

ClinVar aggregate classification (germline): Likely pathogenic (1 of 4 stars; one submission).

Submission:

Labcorp Genetics (formerly Invitae), Labcorp
Classification: Likely pathogenic. Last evaluated: 2022-03-28. Review status: criteria provided, single submitter. Criteria: Invitae Variant Classification Sherloc (09022015). Collection method: clinical testing. Allele origin: germline.
Comment: Algorithms developed to predict the effect of sequence changes on RNA splicing suggest that this variant may disrupt the consensus splice site. In summary, the currently available evidence indicates that the variant is pathogenic, but additional data are needed to prove that conclusively. Therefore, this variant has been classified as Likely Pathogenic. This variant has not been reported in the literature in individuals affected with SMARCD2-related conditions. This variant is not present in population databases (gnomAD no frequency). This sequence change affects an acceptor splice site in intron 1 of the SMARCD2 gene. It is expected to disrupt RNA splicing. Variants that disrupt the donor or acceptor splice site typically lead to a loss of protein function (PMID: 16199547), and loss-of-function variants in SMARCD2 are known to be pathogenic (PMID: 28369036).

Literature cited by the submitters: PubMed 16199547; PubMed 28369036.

NM_001098426.2(SMARCD2):c.217-1G>T

Gene: SMARCD2 (SWI/SNF related BAF chromatin remodeling complex subunit D2; minus strand). Cytogenetic location: 17q23.3.
Variant type: single nucleotide variant.
Coding change: c.217-1G>T on transcript NM_001098426.2 (MANE Select); the canonical splice acceptor site of the intron before coding-DNA position 217, G replaced by T.
Molecular consequence: splice acceptor variant.
Genome position (GRCh38, 1-based): chr17:63,837,626, C>A on the plus strand (G>T on the coding strand, the complement: SMARCD2 is on the minus strand). VCF-style: chr17-63837626-C-A. GRCh37 (hg19) VCF-style: chr17-61914986-C-A.
Other names: c.-9-1G>T (NM_001330439.1); c.73-1G>T (NM_001330440.2).
Identifiers: ClinVar variation 2118895 (VCV002118895.4), dbSNP rs2511445744, ClinGen allele CA400601816.